The following is an entry in ClinVar:

ClinVar aggregate classification (germline): Pathogenic (1 of 4 stars; one submission).

Conditions:
Hereditary breast ovarian cancer syndrome. Also called: Hereditary breast and ovarian cancer; Hereditary breast and/or ovarian cancer syndrome; Hereditary breast and ovarian cancer syndrome; Hereditary breast and ovarian cancer syndrome (HBOC); Breast and ovarian cancer; BRCA1- and BRCA2-Associated Hereditary Breast and Ovarian Cancer. Identifiers: Orphanet 145, MedGen C0677776, MeSH D061325, MONDO:0003582. Disease mechanism: loss of function.

Submission:

Labcorp Genetics (formerly Invitae), Labcorp
Classification: Pathogenic for Hereditary breast ovarian cancer syndrome. Last evaluated: 2021-02-11. Review status: criteria provided, single submitter. Criteria: Invitae Variant Classification Sherloc (09022015). Collection method: clinical testing. Allele origin: germline.
Comment: This variant has not been reported in the literature in individuals with BRCA1-related conditions. For these reasons, this variant has been classified as Pathogenic. This variant is not present in population databases (ExAC no frequency). This sequence change creates a premature translational stop signal (p.Arg1758Lysfs*7) in the BRCA1 gene. It is expected to result in an absent or disrupted protein product. Loss-of-function variants in BRCA1 are known to be pathogenic (PMID: 20104584).

Literature cited by the submitters: PubMed 20104584.

NM_007294.4(BRCA1):c.5273del (p.Arg1758fs)

Gene: BRCA1 (BRCA1 DNA repair associated; minus strand). Cytogenetic location: 17q21.31.
Variant type: Deletion.
Coding change: c.5273del on transcript NM_007294.4 (MANE Select); coding-DNA position 5273, one base deleted (G; older notation c.5273delG).
Protein change: p.Arg1758fs; shifts the reading frame from arginine 1758.
Molecular consequence: frameshift variant. On other transcripts: non-coding transcript variant (1).
Genome position (GRCh38, 1-based): chr17:43,057,056, C deleted on the plus strand (G on the coding strand, the reverse complement: BRCA1 is on the minus strand). VCF-style (leftmost placement, unchanged base first): chr17-43057055-TC-T. GRCh37 (hg19) VCF-style: chr17-41209072-TC-T.
Other names: c.1835delG, p.Arg612Lysfs (NM_001408445.1, NM_001408446.1, NM_001408447.1 and 2 more transcripts); c.1829delG, p.Arg610Lysfs (NM_001408451.1); c.1823delG, p.Arg608Lysfs (NM_001408452.1, NM_001408453.1, NM_001408454.1 and 3 more transcripts); c.1820delG, p.Arg607Lysfs (NM_001408458.1, NM_001408459.1, NM_001408460.1 and 7 more transcripts); c.1817delG, p.Arg606Lysfs (NM_001408468.1, NM_001408469.1, NM_001408470.1); c.1961delG, p.Arg654Lysfs (NM_001408472.1, NM_007298.4, NM_007304.2 and 12 more transcripts); c.1958delG, p.Arg653Lysfs (NM_001408473.1, NM_001408392.1, NM_001408396.1 and 8 more transcripts); c.1763delG, p.Arg588Lysfs (NM_001408474.1); and 75 more; short protein forms R1758fs, R1779fs, R1711fs, R654fs.
Identifiers: ClinVar variation 1374693 (VCV001374693.7), dbSNP rs2153357308, ClinGen allele CA2573153989.